The following is an entry in ClinVar:

ClinVar aggregate classification (germline): Uncertain significance. Review status: criteria provided, multiple submitters, no conflicts (2 of 4 stars). 2 submissions from 2 submitters: Uncertain significance (2). Last evaluated 2026-03-31.

Conditions:
BDNF-related disorder. Also called: BDNF-related condition.

Allele frequency attached by ClinVar (database versions not stated): gnomAD exomes 0.00001; ExAC 0.00002; gnomAD 0.00002; TOPMed 0.00003.
gnomAD v4.1: 17 of 1,614,108 alleles (0.0011%); highest among the groups gnomAD compares: Admixed American, 0.015%; no homozygotes.

Submissions (2):

PreventionGenetics, part of Exact Sciences
Classification: Uncertain significance for BDNF-related condition. Last evaluated: 2026-03-31. Review status: criteria provided, single submitter. Criteria: ACMG Guidelines, 2015. Collection method: clinical testing. Allele origin: germline.
Comment: The BDNF c.937A>G variant is predicted to result in the amino acid substitution p.Ile313Val. This variant was reported in two unrelated individuals with early-onset obesity (Serra-Juhe et al. 2020. PubMed ID: 30926952; alternate nomenclature: NM_170735: c.691A>G (p.Ile231Val)). This variant is reported in 0.012% of alleles in individuals of Latino descent in gnomAD. At this time, the clinical significance of this variant is uncertain due to the absence of conclusive functional and genetic evidence.

Labcorp Genetics (formerly Invitae), Labcorp
Classification: Uncertain significance. Last evaluated: 2025-04-07. Review status: criteria provided, single submitter. Criteria: Invitae Variant Classification Sherloc (09022015). Collection method: clinical testing. Allele origin: germline.
Comment: This sequence change replaces isoleucine, which is neutral and non-polar, with valine, which is neutral and non-polar, at codon 231 of the BDNF protein (p.Ile231Val). This variant is present in population databases (rs764951525, gnomAD 0.009%). This missense change has been observed in individual(s) with non-syndromic early-onset obesity (PMID: 30926952). ClinVar contains an entry for this variant (Variation ID: 2636918). An algorithm developed to predict the effect of missense changes on protein structure and function (PolyPhen-2) suggests that this variant is likely to be tolerated. In summary, the available evidence is currently insufficient to determine the role of this variant in disease. Therefore, it has been classified as a Variant of Uncertain Significance.

Literature cited by the submitters: PubMed 30926952 (cited by Labcorp Genetics (formerly Invitae), Labcorp).

NM_001709.5(BDNF):c.691A>G (p.Ile231Val)

Genes: BDNF (brain derived neurotrophic factor; minus strand), BDNF-AS (BDNF antisense RNA; plus strand). Cytogenetic location: 11p14.1.
Variant type: single nucleotide variant.
Coding change: c.691A>G on transcript NM_001709.5 (MANE Select); coding-DNA position 691, A replaced by G.
Protein change: p.Ile231Val; replaces isoleucine 231 with valine.
Molecular consequence: missense variant.
Genome position (GRCh38, 1-based): chr11:27,657,874, T>C on the plus strand (A>G on the coding strand, the complement: BDNF is on the minus strand). VCF-style: chr11-27657874-T-C. GRCh37 (hg19) VCF-style: chr11-27679421-T-C.
Other names: c.691A>G, p.Ile231Val (NM_001143805.1, NM_001143806.1, NM_001143807.2 and 9 more transcripts); c.778A>G, p.Ile260Val (NM_001143809.2); c.937A>G, p.Ile313Val (NM_001143810.2); c.715A>G, p.Ile239Val (NM_170731.5); c.736A>G, p.Ile246Val (NM_170734.4); short protein forms I231V, I239V, I246V, I260V, I313V.
Identifiers: ClinVar variation 2636918 (VCV002636918.5), dbSNP rs764951525, ClinGen allele CA5929058.